The following is an entry in ClinVar:

NM_002878.4(RAD51D):c.82+3G>A

Genes: RAD51D (RAD51 paralog D; minus strand), RAD51L3-RFFL (RAD51L3-RFFL readthrough; minus strand). Cytogenetic location: 17q12.
Variant type: single nucleotide variant.
Coding change: c.82+3G>A on transcript NM_002878.4 (MANE Select); 3 bases into the intron after coding-DNA position 82, G replaced by A.
Molecular consequence: intron variant.
Genome position (GRCh38, 1-based): chr17:35,119,529, C>T on the plus strand (G>A on the coding strand, the complement: RAD51D is on the minus strand). VCF-style: chr17-35119529-C-T. GRCh37 (hg19) VCF-style: chr17-33446548-C-T.
Other names: c.82+3G>A (NM_133629.3, NM_001142571.2).
Identifiers: ClinVar variation 1762444 (VCV001762444.3), dbSNP rs2142480043, ClinGen allele CA2580093281.
Genomic context (GRCh38, chr17:35,119,529, plus strand): 5'-CTCGGGGCCTGCCCAGGTTGTGCGAGGCCCGCGCGGCTCCCTGGCACGCGCACACCCGGT[C>T]ACCTGTCTTGATCCTGTGGCTCCTGAGAAGCTGGATCATCTCCTCGGTAAGGCCAGGGCA-3'

ClinVar aggregate classification (germline): Conflicting classifications of pathogenicity. Review status: criteria provided, conflicting classifications (1 of 4 stars). 2 submissions from 2 submitters: Uncertain significance (1); Likely benign (1). Last evaluated 2025-02-20.

Conditions:
Hereditary cancer-predisposing syndrome. Also called: Neoplastic Syndromes, Hereditary; Tumor predisposition; Hereditary Cancer Syndrome; Hereditary neoplastic syndrome. Identifiers: Orphanet 140162, MedGen C0027672, MeSH D009386, MONDO:0015356.
Breast-ovarian cancer, familial, susceptibility to, 4. Identifiers: Orphanet 145, MedGen C3280345, MONDO:0013669, OMIM 614291.

Submissions (2):

Myriad Genetics, Inc.
Classification: Likely benign for Breast-ovarian cancer, familial, susceptibility to, 4. Last evaluated: 2025-02-20. Review status: criteria provided, single submitter. Criteria: Myriad Autosomal Dominant, Autosomal Recessive and X-Linked Classification Criteria (2023). Collection method: clinical testing. Allele origin: unknown.
Comment: This variant is considered likely benign. This variant is intronic and is not expected to impact mRNA splicing.

Ambry Genetics
Classification: Uncertain significance for Hereditary cancer-predisposing syndrome. Last evaluated: 2021-02-18. Review status: criteria provided, single submitter. Criteria: Ambry Variant Classification Scheme 2023. Collection method: clinical testing. Allele origin: germline.
Comment: The c.82+3G>A intronic variant results from a G to A substitution 3 nucleotides after coding exon 1 in the RAD51D gene. This nucleotide position is well conserved in available vertebrate species. In silico splice site analysis predicts that this alteration will not have any significant effect on splicing. Since supporting evidence is limited at this time, the clinical significance of this alteration remains unclear.